The following is an entry in ClinVar:

ClinVar aggregate classification (germline): Conflicting classifications of pathogenicity. Review status: criteria provided, conflicting classifications (1 of 4 stars). 7 submissions from 7 submitters: Uncertain significance (4); Likely benign (3). Last evaluated 2026-01-24.

Conditions:
OTOF-related disorder. Also called: OTOF-related condition.
Inborn genetic diseases. Identifiers: MedGen C0950123, MeSH D030342.
Autosomal recessive nonsyndromic hearing loss 9. Also called: AUDITORY NEUROPATHY, AUTOSOMAL RECESSIVE, 1, TEMPERATURE-SENSITIVE; Deafness, autosomal recessive 9; OTOF-Related Hearing Loss; NEUROSENSORY NONSYNDROMIC RECESSIVE DEAFNESS 9. Identifiers: Orphanet 90636, MedGen C1832828, MONDO:0010986, OMIM 601071.

Allele frequency attached by ClinVar (database versions not stated): 1000 Genomes Project 30x 0.00016; gnomAD 0.00019; 1000 Genomes Project 0.00020; ExAC 0.00021; TOPMed 0.00025.

Submissions (7):

Labcorp Genetics (formerly Invitae), Labcorp
Classification: Likely benign. Last evaluated: 2026-01-24. Review status: criteria provided, single submitter. Criteria: Invitae Variant Classification Sherloc (09022015). Collection method: clinical testing. Allele origin: germline.

GeneDx
Classification: Uncertain significance. Last evaluated: 2025-11-20. Review status: criteria provided, single submitter. Criteria: GeneDx Variant Classification Process June 2021. Collection method: clinical testing. Allele origin: germline. Affected: yes.
Comment: Has not been previously published as pathogenic or benign to our knowledge; In silico analysis indicates that this missense variant does not alter protein structure/function

PreventionGenetics, part of Exact Sciences
Classification: Uncertain significance for OTOF-related condition. Last evaluated: 2024-12-26. Review status: criteria provided, single submitter. Criteria: ACMG Guidelines, 2015. Collection method: clinical testing. Allele origin: germline.
Comment: The OTOF c.2848G>A variant is predicted to result in the amino acid substitution p.Val950Ile. To our knowledge, this variant has not been reported in the literature. This variant is reported in 0.040% of alleles in individuals of Latino descent in gnomAD. At this time, the clinical significance of this variant is uncertain due to the absence of conclusive functional and genetic evidence.

Ambry Genetics
Classification: Likely benign for Inborn genetic diseases. Last evaluated: 2021-09-16. Review status: criteria provided, single submitter. Criteria: Ambry Variant Classification Scheme 2023. Collection method: clinical testing. Allele origin: germline.

Illumina Laboratory Services, Illumina
Classification: Uncertain significance for Autosomal recessive nonsyndromic hearing loss 9. Last evaluated: 2018-01-12. Review status: criteria provided, single submitter. Criteria: ICSL Variant Classification Criteria 13 December 2019. Collection method: clinical testing. Allele origin: germline.

Laboratory for Molecular Medicine, Mass General Brigham Personalized Medicine
Classification: Likely benign. Last evaluated: 2017-02-28. Review status: criteria provided, single submitter. Criteria: LMM Criteria. Collection method: clinical testing. Allele origin: germline. Observed: 2 variant alleles.
Comment: p.Val950Ile in exon 23 of OTOF: This variant is not expected to have clinical si gnificance due to a lack of conservation across species, including mammals. Of n ote, over 10 mammals have an isoleucine (Ile) at this position despite high near by amino acid conservation. In addition, computational prediction tools do not s uggest a high likelihood of impact to the protein. This variant has been identi fied in 19/62470 European chromosomes by the Exome Aggregation Consortium (ExAC; dbSNP rs199613764).

Eurofins Ntd Llc (ga)
Classification: Uncertain significance. Last evaluated: 2015-09-02. Review status: criteria provided, single submitter. Criteria: EGL Classification Definitions 2015. Collection method: clinical testing. Allele origin: germline. Observed: 1 variant allele, 1 heterozygote.

NM_194248.3(OTOF):c.2848G>A (p.Val950Ile)

Gene: OTOF (otoferlin; minus strand). Cytogenetic location: 2p23.3.
Variant type: single nucleotide variant.
Coding change: c.2848G>A on transcript NM_194248.3 (MANE Select); coding-DNA position 2848, G replaced by A.
Protein change: p.Val950Ile; replaces valine 950 with isoleucine.
Molecular consequence: missense variant.
Genome position (GRCh38, 1-based): chr2:26,476,146, C>T on the plus strand (G>A on the coding strand, the complement: OTOF is on the minus strand). VCF-style: chr2-26476146-C-T. GRCh37 (hg19) VCF-style: chr2-26699014-C-T.
Other names: c.2848G>A, p.Val950Ile (NM_001287489.2); c.607G>A, p.Val203Ile (NM_004802.4, NM_194323.3); c.778G>A, p.Val260Ile (NM_194322.3); short protein forms V950I, V260I, V203I.
Identifiers: ClinVar variation 227753 (VCV000227753.26), dbSNP rs199613764, ClinGen allele CA1563762.